The following is an entry in ClinVar:

ClinVar aggregate classification (germline): Uncertain significance (1 of 4 stars; one submission).

Conditions:
46,XY sex reversal 9 (SRXY9). Also called: 46,XY SEX REVERSAL, ZFPM2-RELATED. Identifiers: Orphanet 251510, MedGen C4015129, MONDO:0014480, OMIM 616067.

Submission:

Labcorp Genetics (formerly Invitae), Labcorp
Classification: Uncertain significance for 46,XY sex reversal 9. Last evaluated: 2023-02-02. Review status: criteria provided, single submitter. Criteria: Invitae Variant Classification Sherloc (09022015). Collection method: clinical testing. Allele origin: germline.
Comment: This sequence change replaces proline, which is neutral and non-polar, with histidine, which is basic and polar, at codon 716 of the ZFPM2 protein (p.Pro716His). This variant is not present in population databases (gnomAD no frequency). This variant has not been reported in the literature in individuals affected with ZFPM2-related conditions. Algorithms developed to predict the effect of missense changes on protein structure and function are either unavailable or do not agree on the potential impact of this missense change (SIFT: "Deleterious"; PolyPhen-2: "Probably Damaging"; Align-GVGD: "Class C0"). In summary, the available evidence is currently insufficient to determine the role of this variant in disease. Therefore, it has been classified as a Variant of Uncertain Significance.

NM_012082.4(ZFPM2):c.2147C>A (p.Pro716His)

Genes: ZFPM2 (zinc finger protein, FOG family member 2; plus strand), ZFPM2-AS1 (ZFPM2 antisense RNA 1; minus strand), LOC126860469 (BRD4-independent group 4 enhancer GRCh37_chr8:106814445-106815644; plus strand). Cytogenetic location: 8q23.1.
Variant type: single nucleotide variant.
Coding change: c.2147C>A on transcript NM_012082.4 (MANE Select); coding-DNA position 2147, C replaced by A.
Protein change: p.Pro716His; replaces proline 716 with histidine.
Molecular consequence: missense variant.
Genome position (GRCh38, 1-based): chr8:105,802,229, C>A. VCF-style: chr8-105802229-C-A. GRCh37 (hg19) VCF-style: chr8-106814457-C-A.
Other names: c.1988C>A, p.Pro663His (NM_001362836.2); c.1751C>A, p.Pro584His (NM_001362837.2); short protein forms P584H, P663H, P716H.
Identifiers: ClinVar variation 2833889 (VCV002833889.3), dbSNP rs1814048128, ClinGen allele CA371953439.